The following is an entry in ClinVar:

NM_000548.5(TSC2):c.4529T>A (p.Phe1510Tyr)

Gene: TSC2 (TSC complex subunit 2; plus strand). Cytogenetic location: 16p13.3.
Variant type: single nucleotide variant.
Coding change: c.4529T>A on transcript NM_000548.5 (MANE Select); coding-DNA position 4529, T replaced by A.
Protein change: p.Phe1510Tyr; replaces phenylalanine 1510 with tyrosine.
Molecular consequence: missense variant.
Genome position (GRCh38, 1-based): chr16:2,084,986, T>A. VCF-style: chr16-2084986-T-A. GRCh37 (hg19) VCF-style: chr16-2134987-T-A.
Other names: c.4328T>A, p.Phe1443Tyr (NM_001077183.3); c.4460T>A, p.Phe1487Tyr (NM_001114382.3); c.4220T>A, p.Phe1407Tyr (NM_001318827.2); c.4184T>A, p.Phe1395Tyr (NM_001318829.2); c.3797T>A, p.Phe1266Tyr (NM_001318831.2); c.4361T>A, p.Phe1454Tyr (NM_001318832.2); c.4331T>A, p.Phe1444Tyr (NM_001363528.2); c.4397T>A, p.Phe1466Tyr (NM_001370404.1); and 1 more; short protein forms F1266Y, F1395Y, F1407Y, F1443Y, F1444Y, F1454Y, F1466Y, F1467Y.
Identifiers: ClinVar variation 1026707 (VCV001026707.8), dbSNP rs2090583886, ClinGen allele CA394302855.

ClinVar aggregate classification (germline): Uncertain significance (1 of 4 stars; one submission).

Conditions:
Tuberous sclerosis 2 (TSC2). Identifiers: Orphanet 805, MedGen C1860707, MONDO:0013199, OMIM 613254.

Submission:

Labcorp Genetics (formerly Invitae), Labcorp
Classification: Uncertain significance for Tuberous sclerosis 2. Last evaluated: 2020-06-28. Review status: criteria provided, single submitter. Criteria: Invitae Variant Classification Sherloc (09022015). Collection method: clinical testing. Allele origin: germline.
Comment: In summary, the available evidence is currently insufficient to determine the role of this variant in disease. Therefore, it has been classified as a Variant of Uncertain Significance. Algorithms developed to predict the effect of missense changes on protein structure and function are either unavailable or do not agree on the potential impact of this missense change (SIFT: "Tolerated"; PolyPhen-2: "Possibly Damaging"; Align-GVGD: "Class C0"). This variant has not been reported in the literature in individuals with TSC2-related conditions. This variant is not present in population databases (ExAC no frequency). This sequence change replaces phenylalanine with tyrosine at codon 1510 of the TSC2 protein (p.Phe1510Tyr). The phenylalanine residue is highly conserved and there is a small physicochemical difference between phenylalanine and tyrosine.